The following is an entry in ClinVar:

ClinVar aggregate classification (germline): Uncertain significance. Review status: criteria provided, multiple submitters, no conflicts (2 of 4 stars). 2 submissions from 2 submitters: Uncertain significance (2). Last evaluated 2025-04-29.

Conditions:
Familial sleep-related hypermotor epilepsy. Also called: Autosomal Dominant Sleep-Related Hypermotor (Hyperkinetic) Epilepsy. Identifiers: Orphanet 98784, MedGen C3696898, MONDO:0000030.
Inborn genetic diseases. Identifiers: MedGen C0950123, MeSH D030342.

Allele frequency attached by ClinVar (database versions not stated): gnomAD exomes below 0.00001; gnomAD 0.00001.
gnomAD v4.1: 2 of 1,614,122 alleles (0.00012%); highest among the groups gnomAD compares: Admixed American, 0.0017%; no homozygotes.

Submissions (2):

Ambry Genetics
Classification: Uncertain significance for Inborn genetic diseases. Last evaluated: 2025-04-29. Review status: criteria provided, single submitter. Criteria: Ambry Variant Classification Scheme 2023. Collection method: clinical testing. Allele origin: germline.

Labcorp Genetics (formerly Invitae), Labcorp
Classification: Uncertain significance. Last evaluated: 2020-12-09. Review status: criteria provided, single submitter. Criteria: Invitae Variant Classification Sherloc (09022015). Collection method: clinical testing. Allele origin: germline.
Comment: This sequence change replaces lysine with methionine at codon 265 of the CHRNB2 protein (p.Lys265Met). The lysine residue is highly conserved and there is a moderate physicochemical difference between lysine and methionine. This variant is not present in population databases (ExAC no frequency). This variant has not been reported in the literature in individuals with CHRNB2-related conditions. Advanced modeling of protein sequence and biophysical properties (such as structural, functional, and spatial information, amino acid conservation, physicochemical variation, residue mobility, and thermodynamic stability) performed at Invitae indicates that this missense variant is expected to disrupt CHRNB2 protein function. In summary, the available evidence is currently insufficient to determine the role of this variant in disease. Therefore, it has been classified as a Variant of Uncertain Significance.

NM_000748.3(CHRNB2):c.794A>T (p.Lys265Met)

Gene: CHRNB2 (cholinergic receptor nicotinic beta 2 subunit; plus strand). Cytogenetic location: 1q21.3.
Variant type: single nucleotide variant.
Coding change: c.794A>T on transcript NM_000748.3 (MANE Select); coding-DNA position 794, A replaced by T.
Protein change: p.Lys265Met; replaces lysine 265 with methionine.
Molecular consequence: missense variant.
Genome position (GRCh38, 1-based): chr1:154,571,617, A>T. VCF-style: chr1-154571617-A-T. GRCh37 (hg19) VCF-style: chr1-154544093-A-T.
Other names: c.794A>T (NM_000748.2); short protein forms K265M.
Identifiers: ClinVar variation 1507110 (VCV001507110.9), dbSNP rs1696166155, ClinGen allele CA342630851.